The following is an entry in ClinVar:

NM_018122.5(DARS2):c.1395_1396del (p.Gly467fs)

Gene: DARS2 (aspartyl-tRNA synthetase 2, mitochondrial; plus strand). Cytogenetic location: 1q25.1.
Variant type: Deletion.
Coding change: c.1395_1396del on transcript NM_018122.5 (MANE Select); coding-DNA positions 1395 to 1396, 2 bases deleted (AA; older notation c.1395_1396delAA).
Protein change: p.Gly467fs; shifts the reading frame from glycine 467.
Molecular consequence: frameshift variant.
Genome position (GRCh38, 1-based): chr1:173,853,399-173,853,400, AA deleted. VCF-style (leftmost placement, unchanged base first): chr1-173853398-CAA-C. GRCh37 (hg19) VCF-style: chr1-173822536-CAA-C.
Other names: NM_018122.5(DARS2):c.1395_1396del; p.Gly467fs; c.1242_1243del, p.Gly416fs (NM_001365212.1); short protein forms G416fs, G467fs.
Identifiers: ClinVar variation 1455328 (VCV001455328.9), dbSNP rs1334706550, ClinGen allele CA527601034.

ClinVar aggregate classification (germline): Pathogenic. Review status: criteria provided, multiple submitters, no conflicts (2 of 4 stars). 2 submissions from 2 submitters: Pathogenic (2). Last evaluated 2025-01-21.

Conditions:
Leukoencephalopathy with brain stem and spinal cord involvement-high lactate syndrome (LBSL). Also called: MITOCHONDRIAL ASPARTYL-tRNA SYNTHETASE DEFICIENCY; LEUKOENCEPHALOPATHY WITH BRAINSTEM AND SPINAL CORD INVOLVEMENT AND LACTATE ELEVATION, MILD; Leukoencephalopathy with Brainstem and Spinal Cord Involvement and Lactate Elevation. Identifiers: Orphanet 137898, MedGen C1970180, MONDO:0012622, OMIM 611105.

Allele frequency attached by ClinVar (database versions not stated): gnomAD exomes below 0.00001 and 0.00001.

Submissions (2):

Broad Center for Mendelian Genomics, Broad Institute of MIT and Harvard
Classification: Pathogenic for Leukoencephalopathy with brain stem and spinal cord involvement-high lactate syndrome. Last evaluated: 2025-01-21. Review status: criteria provided, single submitter. Criteria: ACMG Guidelines, 2015. Collection method: curation. Allele origin: germline. Inheritance: Autosomal recessive inheritance.
Comment: The p.Gly467SerfsTer5 variant in DARS2 has been reported, in the compound heterozygous state, in 2 siblings with leukoencephalopathy with brain stem and spinal cord involvement-high lactate syndrome (PMID: 21792730), and has been identified in 0.0008% (10/1180038) of European (non-Finnish) chromosomes by the Genome Aggregation Database (gnomAD; dbSNP rs1334706550). Although this variant has been seen in the general population in a heterozygous state, its frequency is low enough to be consistent with a recessive carrier frequency. This variant has also been reported in ClinVar (Variation ID: 1455328) and has been interpreted as pathogenic by Invitae. This variant is predicted to cause a frameshift, which alters the protein's amino acid sequence beginning at position 467, and leads to a premature termination codon 5 amino acids downstream. This alteration is then predicted to lead to a truncated or absent protein. Loss of function of the DARS2 gene is an established disease mechanism in autosomal recessive leukoencephalopathy with brain stem and spinal cord involvement-high lactate syndrome. In summary, this variant meets criteria to be classified as pathogenic for autosomal recessive leukoencephalopathy with brain stem and spinal cord involvement-high lactate syndrome. ACMG/AMP Criteria applied: PVS1, PM2_supporting, PM3_supporting (Richards 2015).

Labcorp Genetics (formerly Invitae), Labcorp
Classification: Pathogenic. Last evaluated: 2021-04-10. Review status: criteria provided, single submitter. Criteria: Invitae Variant Classification Sherloc (09022015). Collection method: clinical testing. Allele origin: germline.
Comment: This sequence change creates a premature translational stop signal (p.Gly467Serfs*5) in the DARS2 gene. It is expected to result in an absent or disrupted protein product. Loss-of-function variants in DARS2 are known to be pathogenic (PMID: 17384640, 24566671). This variant is not present in population databases (ExAC no frequency). For these reasons, this variant has been classified as Pathogenic. This variant has been observed in individual(s) with leukoencephalopathy with brainstem and spinal cord involvement (PMID: 21792730).

Literature cited by the submitters: PubMed 17384640 (cited by Labcorp Genetics (formerly Invitae), Labcorp); PubMed 24566671 (cited by Labcorp Genetics (formerly Invitae), Labcorp); PubMed 21792730 (cited by Labcorp Genetics (formerly Invitae), Labcorp).